The following is an entry in ClinVar:

NM_001844.5(COL2A1):c.1180G>A (p.Glu394Lys)

Gene: COL2A1 (collagen type II alpha 1 chain; minus strand). Cytogenetic location: 12q13.11.
Variant type: single nucleotide variant.
Coding change: c.1180G>A on transcript NM_001844.5 (MANE Select); coding-DNA position 1180, G replaced by A.
Protein change: p.Glu394Lys; replaces glutamic acid 394 with lysine.
Molecular consequence: missense variant.
Genome position (GRCh38, 1-based): chr12:47,987,652, C>T on the plus strand (G>A on the coding strand, the complement: COL2A1 is on the minus strand). VCF-style: chr12-47987652-C-T. GRCh37 (hg19) VCF-style: chr12-48381435-C-T.
Other names: c.973G>A, p.Glu325Lys (NM_033150.3); short protein forms E325K, E394K.
Identifiers: ClinVar variation 1487544 (VCV001487544.8), dbSNP rs2136579298, ClinGen allele CA384554491.

ClinVar aggregate classification (germline): Uncertain significance (1 of 4 stars; one submission).

Submission:

Labcorp Genetics (formerly Invitae), Labcorp
Classification: Uncertain significance. Last evaluated: 2021-03-18. Review status: criteria provided, single submitter. Criteria: Invitae Variant Classification Sherloc (09022015). Collection method: clinical testing. Allele origin: germline.
Comment: In summary, the available evidence is currently insufficient to determine the role of this variant in disease. Therefore, it has been classified as a Variant of Uncertain Significance. Advanced modeling of protein sequence and biophysical properties (such as structural, functional, and spatial information, amino acid conservation, physicochemical variation, residue mobility, and thermodynamic stability) performed at Invitae indicates that this missense variant is not expected to disrupt COL2A1 protein function. This variant has not been reported in the literature in individuals with COL2A1-related conditions. This variant is not present in population databases (ExAC no frequency). This sequence change replaces glutamic acid with lysine at codon 394 of the COL2A1 protein (p.Glu394Lys). The glutamic acid residue is highly conserved and there is a small physicochemical difference between glutamic acid and lysine.